The following is an entry in ClinVar:

NM_024741.3(ZNF408):c.434C>T (p.Ala145Val)

Gene: ZNF408 (zinc finger protein 408; plus strand). Cytogenetic location: 11p11.2.
Variant type: single nucleotide variant.
Coding change: c.434C>T on transcript NM_024741.3 (MANE Select); coding-DNA position 434, C replaced by T.
Protein change: p.Ala145Val; replaces alanine 145 with valine.
Molecular consequence: missense variant.
Genome position (GRCh38, 1-based): chr11:46,703,025, C>T. VCF-style: chr11-46703025-C-T. GRCh37 (hg19) VCF-style: chr11-46724575-C-T.
Other names: c.410C>T, p.Ala137Val (NM_001184751.2); short protein forms A137V, A145V.
Identifiers: ClinVar variation 2994414 (VCV002994414.3), dbSNP rs2502788847, ClinGen allele CA380252248.

ClinVar aggregate classification (germline): Uncertain significance (1 of 4 stars; one submission).

Allele frequency attached by ClinVar (database versions not stated): gnomAD exomes below 0.00001.
gnomAD v4.1: 1 of 1,614,002 alleles (0.000062%); highest among the groups gnomAD compares: Non-Finnish European, 0.000085%; no homozygotes.

Submission:

Labcorp Genetics (formerly Invitae), Labcorp
Classification: Uncertain significance. Last evaluated: 2023-06-27. Review status: criteria provided, single submitter. Criteria: Invitae Variant Classification Sherloc (09022015). Collection method: clinical testing. Allele origin: germline.
Comment: This sequence change replaces alanine, which is neutral and non-polar, with valine, which is neutral and non-polar, at codon 145 of the ZNF408 protein (p.Ala145Val). In summary, the available evidence is currently insufficient to determine the role of this variant in disease. Therefore, it has been classified as a Variant of Uncertain Significance. An algorithm developed to predict the effect of missense changes on protein structure and function (PolyPhen-2) suggests that this variant is likely to be tolerated. This variant has not been reported in the literature in individuals affected with ZNF408-related conditions. This variant is not present in population databases (gnomAD no frequency).